The following is an entry in ClinVar:

NM_024652.6(LRRK1):c.3564C>T (p.Phe1188=)

Genes: LRRK1 (leucine rich repeat kinase 1; plus strand), LRRK1-AS1 (LRRK1 antisense RNA 1; minus strand). Cytogenetic location: 15q26.3.
Variant type: single nucleotide variant.
Coding change: c.3564C>T on transcript NM_024652.6 (MANE Select); coding-DNA position 3564, C replaced by T.
Protein change: p.Phe1188=; no amino-acid change (phenylalanine 1188 retained).
Molecular consequence: synonymous variant.
Genome position (GRCh38, 1-based): chr15:101,051,835, C>T. VCF-style: chr15-101051835-C-T. GRCh37 (hg19) VCF-style: chr15-101592040-C-T.
Other names: c.3564C>T (NM_024652.5).
Identifiers: ClinVar variation 1599918 (VCV001599918.12), dbSNP rs149260825, ClinGen allele CA7761559.

ClinVar aggregate classification (germline): Benign/Likely benign. Review status: criteria provided, multiple submitters, no conflicts (2 of 4 stars). 4 submissions from 4 submitters: Benign (2); Likely benign (1). 1 of the submissions does not count toward it. Last evaluated 2025-12-19.

Conditions:
LRRK1-related disorder. Also called: LRRK1-related condition.

Allele frequency attached by ClinVar (database versions not stated): gnomAD exomes 0.00093; ExAC 0.00110; gnomAD 0.00350 and 0.00366; TOPMed 0.00394; ESP Exome Variant Server 0.00408; 1000 Genomes Project 30x 0.00609; 1000 Genomes Project 0.00619.

Submissions (4):

Labcorp Genetics (formerly Invitae), Labcorp
Classification: Benign. Last evaluated: 2025-12-19. Review status: criteria provided, single submitter. Criteria: Invitae Variant Classification Sherloc (09022015). Collection method: clinical testing. Allele origin: germline.

Blueprint Genetics
Classification: Likely benign. Last evaluated: 2024-11-05. Review status: criteria provided, single submitter. Criteria: ACMG Guidelines, 2015. Collection method: clinical testing. Allele origin: germline.

Breakthrough Genomics
Classification: Benign. Review status: criteria provided, single submitter. Criteria: ACMG Guidelines, 2015. Collection method: not provided. Allele origin: germline. Inheritance: Autosomal recessive inheritance. Affected: yes.

PreventionGenetics, part of Exact Sciences
Classification: Benign for LRRK1-related condition. Last evaluated: 2019-02-18. Review status: no assertion criteria provided. Collection method: clinical testing. Allele origin: germline. Not counted in ClinVar's aggregate classification.
Comment: This variant is classified as benign based on ACMG/AMP sequence variant interpretation guidelines (Richards et al. 2015 PMID: 25741868, with internal and published modifications).